The following is an entry in ClinVar:

ClinVar aggregate classification (germline): Uncertain significance (1 of 4 stars; one submission).

Conditions:
Inborn genetic diseases. Identifiers: MedGen C0950123, MeSH D030342.

Submission:

Ambry Genetics
Classification: Uncertain significance for Inborn genetic diseases. Last evaluated: 2025-07-28. Review status: criteria provided, single submitter. Criteria: Ambry Variant Classification Scheme 2023. Collection method: clinical testing. Allele origin: germline.
Comment: The p.D369H variant (also known as c.1105G>C), located in coding exon 9 of the CEP57 gene, results from a G to C substitution at nucleotide position 1105. The aspartic acid at codon 369 is replaced by histidine, an amino acid with similar properties. This amino acid position is conserved. In addition, this alteration is predicted to be deleterious by in silico analysis. Based on the available evidence, the clinical significance of this variant remains unclear.

NM_014679.5(CEP57):c.1105G>C (p.Asp369His)

Gene: CEP57 (centrosomal protein 57; plus strand). Cytogenetic location: 11q21.
Variant type: single nucleotide variant.
Coding change: c.1105G>C on transcript NM_014679.5 (MANE Select); coding-DNA position 1105, G replaced by C.
Protein change: p.Asp369His; replaces aspartic acid 369 with histidine.
Molecular consequence: missense variant.
Genome position (GRCh38, 1-based): chr11:95,828,005, G>C. VCF-style: chr11-95828005-G-C. GRCh37 (hg19) VCF-style: chr11-95561169-G-C.
Other names: c.1078G>C, p.Asp360His (NM_001243776.2); c.1027G>C, p.Asp343His (NM_001243777.2); c.1024G>C, p.Asp342His (NM_001363604.2, NM_001440869.1, NM_001440870.1); c.844G>C, p.Asp282His (NM_001440880.1); c.808G>C, p.Asp270His (NM_001440881.1); c.802G>C, p.Asp268His (NM_001440882.1); c.997G>C, p.Asp333His (NM_001440871.1); c.988G>C, p.Asp330His (NM_001440872.1); and 6 more; short protein forms D306H, D330H, D333H, D343H, D360H, D309H, D342H, D294H.
Identifiers: ClinVar variation 4226362 (VCV004226362.1).